The following is an entry in ClinVar:

NM_001040108.2(MLH3):c.1227del (p.Ala410fs)

Gene: MLH3 (mutL homolog 3; minus strand). Cytogenetic location: 14q24.3.
Variant type: Deletion.
Coding change: c.1227del on transcript NM_001040108.2 (MANE Select); coding-DNA position 1227, one base deleted (A; older notation c.1227delA).
Protein change: p.Ala410fs; shifts the reading frame from alanine 410.
Molecular consequence: frameshift variant.
Genome position (GRCh38, 1-based): chr14:75,048,429, T deleted on the plus strand (A on the coding strand, the reverse complement: MLH3 is on the minus strand); the first of 4 consecutive T bases (chr14:75,048,429-75,048,432); deleting any one gives the same sequence. VCF-style (leftmost placement, unchanged base first): chr14-75048428-CT-C. GRCh37 (hg19) VCF-style: chr14-75515131-CT-C.
Other names: c.1227del, p.Ala410fs (NM_014381.3); c.1227delA (NM_001040108.1); short protein forms A410fs.
Identifiers: ClinVar variation 1754544 (VCV001754544.3), dbSNP rs2503300924, ClinGen allele CA2580088847.

ClinVar aggregate classification (germline): Pathogenic (1 of 4 stars; one submission).

Submission:

Ambry Genetics
Classification: Pathogenic. Last evaluated: 2026-06-02. Review status: criteria provided, single submitter. Criteria: Ambry Variant Classification Scheme 2023. Collection method: clinical testing. Allele origin: germline.
Comment: The c.1227delA variant, located in coding exon 1 of the MLH3 gene, results from a deletion of one nucleotide at nucleotide position 1227, causing a translational frameshift with a predicted alternate stop codon (p.A410Lfs*2). This variant is considered to be rare based on population cohorts in the Genome Aggregation Database (gnomAD). This alteration is expected to result in loss of function by premature protein truncation or nonsense-mediated mRNA decay. As such, this alteration is interpreted as a disease-causing mutation.